The following is an entry in ClinVar:

NM_018060.4(IARS2):c.2543A>G (p.His848Arg)

Gene: IARS2 (isoleucyl-tRNA synthetase 2, mitochondrial; plus strand). Cytogenetic location: 1q41.
Variant type: single nucleotide variant.
Coding change: c.2543A>G on transcript NM_018060.4 (MANE Select); coding-DNA position 2543, A replaced by G.
Protein change: p.His848Arg; replaces histidine 848 with arginine.
Molecular consequence: missense variant.
Genome position (GRCh38, 1-based): chr1:220,141,931, A>G. VCF-style: chr1-220141931-A-G. GRCh37 (hg19) VCF-style: chr1-220315273-A-G.
Other names: c.2543A>G (NM_018060.3); short protein forms H848R.
Identifiers: ClinVar variation 1463542 (VCV001463542.4), dbSNP rs1228120833, ClinGen allele CA344617347.

ClinVar aggregate classification (germline): Uncertain significance. Review status: criteria provided, multiple submitters, no conflicts (2 of 4 stars). 2 submissions from 2 submitters: Uncertain significance (2). Last evaluated 2025-02-19.

Conditions:
Inborn genetic diseases. Identifiers: MedGen C0950123, MeSH D030342.

Allele frequency attached by ClinVar (database versions not stated): gnomAD exomes below 0.00001 and 0.00001; TOPMed below 0.00001.
gnomAD v4.1: 2 of 1,613,948 alleles (0.00012%); highest among the groups gnomAD compares: Admixed American, 0.0033%; no homozygotes.

Submissions (2):

Ambry Genetics
Classification: Uncertain significance for Inborn genetic diseases. Last evaluated: 2025-02-19. Review status: criteria provided, single submitter. Criteria: Ambry Variant Classification Scheme 2023. Collection method: clinical testing. Allele origin: germline.

Labcorp Genetics (formerly Invitae), Labcorp
Classification: Uncertain significance. Last evaluated: 2022-04-12. Review status: criteria provided, single submitter. Criteria: Invitae Variant Classification Sherloc (09022015). Collection method: clinical testing. Allele origin: germline.
Comment: This sequence change replaces histidine, which is basic and polar, with arginine, which is basic and polar, at codon 848 of the IARS2 protein (p.His848Arg). This variant is present in population databases (no rsID available, gnomAD 0.006%). This variant has not been reported in the literature in individuals affected with IARS2-related conditions. Algorithms developed to predict the effect of missense changes on protein structure and function are either unavailable or do not agree on the potential impact of this missense change (SIFT: "Deleterious"; PolyPhen-2: "Possibly Damaging"; Align-GVGD: "Class C0"). In summary, the available evidence is currently insufficient to determine the role of this variant in disease. Therefore, it has been classified as a Variant of Uncertain Significance.